The following is an entry in ClinVar:

NM_001203.3(BMPR1B):c.*1361G>A

Gene: BMPR1B (bone morphogenetic protein receptor type 1B; plus strand). Cytogenetic location: 4q22.3.
Variant type: single nucleotide variant.
Coding change: c.*1361G>A on transcript NM_001203.3 (MANE Select); 1361 bases downstream of the stop codon, G replaced by A.
Molecular consequence: 3 prime UTR variant.
Genome position (GRCh38, 1-based): chr4:95,156,034, G>A. VCF-style: chr4-95156034-G-A. GRCh37 (hg19) VCF-style: chr4-96077185-G-A.
Other names: c.*1361G>A (NM_001256792.2, NM_001256793.2, NM_001256794.1).
Identifiers: ClinVar variation 350151 (VCV000350151.6), dbSNP rs56738985, ClinGen allele CA10619632.

ClinVar aggregate classification (germline): Benign. Review status: criteria provided, multiple submitters, no conflicts (2 of 4 stars). 2 submissions from 2 submitters: Benign (2). Last evaluated 2018-01-12.

Conditions:
Brachydactyly. Also called: Brachydactyly syndrome; Brachydactyly (disease). Identifiers: MedGen C0221357, MONDO:0021004, HP:0001156.

Allele frequency attached by ClinVar (database versions not stated): 1000 Genomes Project 0.03395; 1000 Genomes Project 30x 0.03498; gnomAD 0.04014 and 0.04193; TOPMed 0.04270.

Submissions (2):

Illumina Laboratory Services, Illumina
Classification: Benign for Brachydactyly. Last evaluated: 2018-01-12. Review status: criteria provided, single submitter. Criteria: ICSL Variant Classification Criteria 13 December 2019. Collection method: clinical testing. Allele origin: germline.
Comment: This variant was observed in the ICSL laboratory as part of a predisposition screen in an ostensibly healthy population. It had not been previously curated by ICSL or reported in the Human Gene Mutation Database (HGMD: prior to June 1st, 2018), and was therefore a candidate for classification through an automated scoring system. Utilizing variant allele frequency, disease prevalence and penetrance estimates, and inheritance mode, an automated score was calculated to assess if this variant is too frequent to cause the disease. Based on the score and internal cut-off values, a variant classified as benign is not then subjected to further curation. The score for this variant resulted in a classification of benign for this disease.

Breakthrough Genomics
Classification: Benign. Review status: criteria provided, single submitter. Criteria: ACMG Guidelines, 2015. Collection method: not provided. Allele origin: germline. Inheritance: Autosomal recessive inheritance. Affected: yes.